The following is an entry in ClinVar:

NM_004706.4(ARHGEF1):c.17G>C (p.Arg6Pro)

Gene: ARHGEF1 (Rho guanine nucleotide exchange factor 1; plus strand). Cytogenetic location: 19q13.2.
Variant type: single nucleotide variant.
Coding change: c.17G>C on transcript NM_004706.4 (MANE Select); coding-DNA position 17, G replaced by C.
Protein change: p.Arg6Pro; replaces arginine 6 with proline.
Molecular consequence: missense variant.
Genome position (GRCh38, 1-based): chr19:41,888,099, G>C. VCF-style: chr19-41888099-G-C. GRCh37 (hg19) VCF-style: chr19-42392170-G-C.
Other names: c.17G>C, p.Arg6Pro (NM_198977.2); c.62G>C, p.Arg21Pro (NM_199002.2); c.62G>C (NM_199002.1); short protein forms R6P, R21P.
Identifiers: ClinVar variation 1465275 (VCV001465275.9), dbSNP rs183598386, ClinGen allele CA9465742.

ClinVar aggregate classification (germline): Uncertain significance. Review status: criteria provided, multiple submitters, no conflicts (2 of 4 stars). 2 submissions from 2 submitters: Uncertain significance (2). Last evaluated 2025-09-09.

gnomAD v4.1: 30 of 1,613,622 alleles (0.0019%); highest among the groups gnomAD compares: Non-Finnish European, 0.0025%; no homozygotes.

Submissions (2):

Labcorp Genetics (formerly Invitae), Labcorp
Classification: Uncertain significance. Last evaluated: 2025-09-09. Review status: criteria provided, single submitter. Criteria: Invitae Variant Classification Sherloc (09022015). Collection method: clinical testing. Allele origin: germline.
Comment: This sequence change replaces arginine, which is basic and polar, with proline, which is neutral and non-polar, at codon 21 of the ARHGEF1 protein (p.Arg21Pro). This variant is present in population databases (rs183598386, gnomAD 0.0009%). This variant has not been reported in the literature in individuals affected with ARHGEF1-related conditions. ClinVar contains an entry for this variant (Variation ID: 1465275). An algorithm developed to predict the effect of missense changes on protein structure and function outputs the following: PolyPhen-2: "Benign". The proline amino acid residue is found in multiple mammalian species, which suggests that this missense change does not adversely affect protein function. In summary, the available evidence is currently insufficient to determine the role of this variant in disease. Therefore, it has been classified as a Variant of Uncertain Significance.

Ambry Genetics
Classification: Uncertain significance. Last evaluated: 2025-03-22. Review status: criteria provided, single submitter. Criteria: Ambry Variant Classification Scheme 2023. Collection method: clinical testing. Allele origin: germline.